The following is an entry in ClinVar:

NM_000038.6(APC):c.3393A>C (p.Gln1131His)

Gene: APC (APC regulator of Wnt signaling pathway; plus strand). Cytogenetic location: 5q22.2.
Variant type: single nucleotide variant.
Coding change: c.3393A>C on transcript NM_000038.6 (MANE Select); coding-DNA position 3393, A replaced by C.
Protein change: p.Gln1131His; replaces glutamine 1131 with histidine.
Molecular consequence: missense variant. On other transcripts: non-coding transcript variant (2).
Genome position (GRCh38, 1-based): chr5:112,838,987, A>C. VCF-style: chr5-112838987-A-C. GRCh37 (hg19) VCF-style: chr5-112174684-A-C.
Other names: c.3393A>C, p.Gln1131His (NM_001127510.3, NM_001354895.2, NM_001407450.1); c.3339A>C, p.Gln1113His (NM_001127511.3); c.3447A>C, p.Gln1149His (NM_001354896.2, NM_001407447.1, NM_001407448.1 and 1 more transcripts); c.3423A>C, p.Gln1141His (NM_001354897.2); c.3318A>C, p.Gln1106His (NM_001354898.2); c.3309A>C, p.Gln1103His (NM_001354899.2); c.3270A>C, p.Gln1090His (NM_001354900.2); c.3216A>C, p.Gln1072His (NM_001354901.2, NM_001407453.1); and 11 more; short protein forms Q1002H, Q1072H, Q1121H, Q1106H, Q1124H, Q848H, Q1005H, Q1103H.
Identifiers: ClinVar variation 3305963 (VCV003305963.1).
Genomic context (GRCh38, chr5:112,838,987, plus strand): 5'-AACAAATCGAGTGGGTTCTAATCATGGAATTAATCAAAATGTAAGCCAGTCTTTGTGTCA[A>C]GAAGATGACTATGAAGATGATAAGCCTACCAATTATAGTGAACGTTACTCTGAAGAAGAA-3'
Protein context (NP_000029.2, residues 1121-1141): INQNVSQSLC[Gln1131His]EDDYEDDKPT

ClinVar aggregate classification (germline): Uncertain significance (1 of 4 stars; one submission).

Conditions:
Hereditary cancer-predisposing syndrome. Also called: Tumor predisposition; Hereditary Cancer Syndrome; Hereditary neoplastic syndrome; Neoplastic Syndromes, Hereditary. Identifiers: Orphanet 140162, MedGen C0027672, MeSH D009386, MONDO:0015356.

Submission:

Ambry Genetics
Classification: Uncertain significance for Hereditary cancer-predisposing syndrome. Last evaluated: 2024-06-20. Review status: criteria provided, single submitter. Criteria: Ambry Variant Classification Scheme 2023. Collection method: clinical testing. Allele origin: germline.
Comment: The p.Q1131H variant (also known as c.3393A>C), located in coding exon 15 of the APC gene, results from an A to C substitution at nucleotide position 3393. The glutamine at codon 1131 is replaced by histidine, an amino acid with highly similar properties. This amino acid position is conserved. In addition, in silico predictors for this gene do not accurately predict pathogenicity. Based on the available evidence, the clinical significance of this variant remains unclear.